The following is an entry in ClinVar:

NM_000161.3(GCH1):c.331_333del (p.Glu111del)

Gene: GCH1 (GTP cyclohydrolase 1; minus strand). Cytogenetic location: 14q22.2.
Variant type: Deletion.
Coding change: c.331_333del on transcript NM_000161.3 (MANE Select); coding-DNA positions 331 to 333, 3 bases deleted (GAG; older notation c.331_333delGAG).
Protein change: p.Glu111del; deletes glutamic acid 111.
Molecular consequence: inframe deletion.
Genome position (GRCh38, 1-based): chr14:54,902,331-54,902,333, CTC deleted on the plus strand (GAG on the coding strand, the reverse complement: GCH1 is on the minus strand); deleting any 3 consecutive bases within chr14:54,902,331-54,902,335 gives the same sequence; the c. name uses the placement nearest the transcript's 3' end. VCF-style (leftmost placement, unchanged base first): chr14-54902330-TCTC-T. GRCh37 (hg19) VCF-style: chr14-55369048-TCTC-T.
Other names: c.331_333del, p.Glu111del (NM_001024024.2, NM_001024070.2, NM_001024071.2 and 1 more transcripts); short protein forms E111del.
Identifiers: ClinVar variation 4534918 (VCV004534918.6).

ClinVar aggregate classification (germline): Uncertain significance (1 of 4 stars; one submission).

Submission:

CeGaT Center for Human Genetics Tuebingen
Classification: Uncertain significance. Last evaluated: 2025-10-01. Review status: criteria provided, single submitter. Criteria: CeGaT Center For Human Genetics Tuebingen Variant Classification Criteria Version 2. Collection method: clinical testing. Allele origin: germline. Affected: yes. Observed: 1 variant allele.
Comment: GCH1: PM2, PM1:Supporting, PM4:Supporting